The following is an entry in ClinVar:

ClinVar aggregate classification (germline): Uncertain significance. Review status: criteria provided, multiple submitters, no conflicts (2 of 4 stars). 2 submissions from 2 submitters: Uncertain significance (2). Last evaluated 2025-05-07.

Conditions:
Inborn genetic diseases. Identifiers: MedGen C0950123, MeSH D030342.
Cohen syndrome (COH1). Also called: Cutis verticis gyrata, retinitis pigmentosa, and sensorineural deafness; PEPPER SYNDROME. Identifiers: Orphanet 193, MedGen C0265223, MONDO:0008999, OMIM 216550.

Allele frequency attached by ClinVar (database versions not stated): gnomAD exomes below 0.00001 and 0.00001; gnomAD 0.00001; TOPMed 0.00001; 1000 Genomes Project 30x 0.00016; 1000 Genomes Project 0.00020.
gnomAD v4.1: 4 of 1,614,140 alleles (0.00025%); highest among the groups gnomAD compares: East Asian, 0.0067%; no homozygotes.

Submissions (2):

Ambry Genetics
Classification: Uncertain significance for Inborn genetic diseases. Last evaluated: 2025-05-07. Review status: criteria provided, single submitter. Criteria: Ambry Variant Classification Scheme 2023. Collection method: clinical testing. Allele origin: germline.

Labcorp Genetics (formerly Invitae), Labcorp
Classification: Uncertain significance for Cohen syndrome. Last evaluated: 2022-07-26. Review status: criteria provided, single submitter. Criteria: Invitae Variant Classification Sherloc (09022015). Collection method: clinical testing. Allele origin: germline.
Comment: This sequence change replaces phenylalanine, which is neutral and non-polar, with serine, which is neutral and polar, at codon 366 of the VPS13B protein (p.Phe366Ser). This variant is present in population databases (rs543010361, gnomAD 0.006%). This variant has not been reported in the literature in individuals affected with VPS13B-related conditions. ClinVar contains an entry for this variant (Variation ID: 1426361). Algorithms developed to predict the effect of missense changes on protein structure and function are either unavailable or do not agree on the potential impact of this missense change (SIFT: "Not Available"; PolyPhen-2: "Benign"; Align-GVGD: "Not Available"). In summary, the available evidence is currently insufficient to determine the role of this variant in disease. Therefore, it has been classified as a Variant of Uncertain Significance.

NM_152564.5(VPS13B):c.1097T>C (p.Phe366Ser)

Gene: VPS13B (vacuolar protein sorting 13 homolog B; plus strand). Cytogenetic location: 8q22.2.
Variant type: single nucleotide variant.
Coding change: c.1097T>C on transcript NM_152564.5 (MANE Select); coding-DNA position 1097, T replaced by C.
Protein change: p.Phe366Ser; replaces phenylalanine 366 with serine.
Molecular consequence: missense variant. On other transcripts: non-coding transcript variant (1).
Genome position (GRCh38, 1-based): chr8:99,121,336, T>C. VCF-style: chr8-99121336-T-C. GRCh37 (hg19) VCF-style: chr8-100133564-T-C.
Other names: c.1097T>C, p.Phe366Ser (NM_015243.3, NM_017890.5, NM_181661.3); c.1097T>C (NM_017890.3); short protein forms F366S.
Identifiers: ClinVar variation 1426361 (VCV001426361.5), dbSNP rs543010361, ClinGen allele CA182885999.